The following is an entry in ClinVar:

ClinVar aggregate classification (germline): Uncertain significance (1 of 4 stars; one submission).

Submission:

Labcorp Genetics (formerly Invitae), Labcorp
Classification: Uncertain significance. Last evaluated: 2019-08-06. Review status: criteria provided, single submitter. Criteria: Invitae Variant Classification Sherloc (09022015). Collection method: clinical testing. Allele origin: germline.
Comment: This variant is not present in population databases (ExAC no frequency). In summary, the available evidence is currently insufficient to determine the role of this variant in disease. Therefore, it has been classified as a Variant of Uncertain Significance. Algorithms developed to predict the effect of missense changes on protein structure and function output the following: SIFT: "Tolerated"; PolyPhen-2: "Benign"; Align-GVGD: "Class C0". The alanine amino acid residue is found in multiple mammalian species, suggesting that this missense change does not adversely affect protein function. These predictions have not been confirmed by published functional studies and their clinical significance is uncertain. This variant has not been reported in the literature in individuals with REST-related conditions. This sequence change replaces threonine with alanine at codon 442 of the REST protein (p.Thr442Ala). The threonine residue is highly conserved and there is a small physicochemical difference between threonine and alanine.

NM_005612.5(REST):c.1324A>G (p.Thr442Ala)

Gene: REST (RE1 silencing transcription factor; plus strand). Cytogenetic location: 4q12.
Variant type: single nucleotide variant.
Coding change: c.1324A>G on transcript NM_005612.5 (MANE Select); coding-DNA position 1324, A replaced by G.
Protein change: p.Thr442Ala; replaces threonine 442 with alanine.
Molecular consequence: missense variant.
Genome position (GRCh38, 1-based): chr4:56,930,182, A>G. VCF-style: chr4-56930182-A-G. GRCh37 (hg19) VCF-style: chr4-57796348-A-G.
Other names: c.1324A>G, p.Thr442Ala (NM_001193508.2, NM_001363453.3); short protein forms T442A.
Identifiers: ClinVar variation 943509 (VCV000943509.9), dbSNP rs1720897461, ClinGen allele CA357006360.